The following is an entry in ClinVar:

NM_001148.6(ANK2):c.6797A>G (p.Lys2266Arg)

Genes: ANK2 (ankyrin 2; plus strand), LOC126807137 (CDK7 strongly-dependent group 2 enhancer GRCh37_chr4:114276560-114277759; plus strand). Cytogenetic location: 4q26.
Variant type: single nucleotide variant.
Coding change: c.6797A>G on transcript NM_001148.6 (MANE Select); coding-DNA position 6797, A replaced by G.
Protein change: p.Lys2266Arg; replaces lysine 2266 with arginine.
Molecular consequence: missense variant. On other transcripts: intron variant (68).
Genome position (GRCh38, 1-based): chr4:113,355,415, A>G. VCF-style: chr4-113355415-A-G. GRCh37 (hg19) VCF-style: chr4-114276571-A-G.
Other names: c.6563A>G, p.Lys2188Arg (NM_001386142.1); c.3197A>G, p.Lys1066Arg (NM_001386166.1); c.6938A>G, p.Lys2313Arg (NM_001386174.1); c.6914A>G, p.Lys2305Arg (NM_001386175.1); c.4411+5166A>G (NM_001386186.2, NM_001386148.2); c.4213+5166A>G (NM_001354269.3); c.4291+5166A>G (NM_001386187.2); c.4252+5166A>G (NM_001386147.1); and 35 more; short protein forms K2266R, K1066R, K2188R, K2305R, K2313R.
Identifiers: ClinVar variation 650333 (VCV000650333.8), dbSNP rs768786898, ClinGen allele CA3051473.

ClinVar aggregate classification (germline): Uncertain significance (1 of 4 stars; one submission).

Conditions:
Long QT syndrome (LQTS). Identifiers: MedGen C0023976, MeSH D008133, MONDO:0002442. Disease mechanism: loss of function. Inheritance: Various modes of inheritance.

Allele frequency attached by ClinVar (database versions not stated): gnomAD exomes 0.00001 and 0.00002; ExAC 0.00003.
gnomAD v4.1: 12 of 1,614,006 alleles (0.00074%); highest among the groups gnomAD compares: South Asian, 0.0055%; no homozygotes.

Submission:

Labcorp Genetics (formerly Invitae), Labcorp
Classification: Uncertain significance for Long QT syndrome. Last evaluated: 2022-06-04. Review status: criteria provided, single submitter. Criteria: Invitae Variant Classification Sherloc (09022015). Collection method: clinical testing. Allele origin: germline.
Comment: In summary, the available evidence is currently insufficient to determine the role of this variant in disease. Therefore, it has been classified as a Variant of Uncertain Significance. Algorithms developed to predict the effect of missense changes on protein structure and function output the following: SIFT: "Tolerated"; PolyPhen-2: "Benign"; Align-GVGD: "Class C0". The arginine amino acid residue is found in multiple mammalian species, which suggests that this missense change does not adversely affect protein function. ClinVar contains an entry for this variant (Variation ID: 650333). This variant has not been reported in the literature in individuals affected with ANK2-related conditions. This variant is present in population databases (rs768786898, gnomAD 0.01%). This sequence change replaces lysine, which is basic and polar, with arginine, which is basic and polar, at codon 2266 of the ANK2 protein (p.Lys2266Arg).